The following is an entry in ClinVar:

ClinVar aggregate classification (germline): Uncertain significance. Review status: criteria provided, multiple submitters, no conflicts (2 of 4 stars). 3 submissions from 3 submitters: Uncertain significance (3). Last evaluated 2023-09-21.

Conditions:
Dilated cardiomyopathy 1AA (CMD1AA). Also called: CARDIOMYOPATHY, DILATED, 1AA, WITH OR WITHOUT LEFT VENTRICULAR NONCOMPACTION; CARDIOMYOPATHY, FAMILIAL HYPERTROPHIC, 23, WITH OR WITHOUT LEFT VENTRICULAR NONCOMPACTION; Cardiomyopathy, dilated, 1AA, with or without LVNC. Identifiers: Orphanet 154, MedGen C2677338, MONDO:0012808, OMIM 612158.
Primary familial hypertrophic cardiomyopathy (HCM). Identifiers: Orphanet 99739, MedGen C0949658, MeSH D024741, MONDO:0024573. Inheritance: Various modes of inheritance.
Cardiovascular phenotype. Identifiers: MedGen CN230736.

Submissions (3):

Labcorp Genetics (formerly Invitae), Labcorp
Classification: Uncertain significance for Primary familial hypertrophic cardiomyopathy; Dilated cardiomyopathy 1AA. Last evaluated: 2023-09-21. Review status: criteria provided, single submitter. Criteria: Invitae Variant Classification Sherloc (09022015). Collection method: clinical testing. Allele origin: germline.
Comment: This sequence change creates a premature translational stop signal (p.Arg745*) in the ACTN2 gene. It is expected to result in an absent or disrupted protein product. However, the current clinical and genetic evidence is not sufficient to establish whether loss-of-function variants in ACTN2 cause disease. This variant is not present in population databases (gnomAD no frequency). In summary, the available evidence is currently insufficient to determine the role of this variant in disease. Therefore, it has been classified as a Variant of Uncertain Significance. ClinVar contains an entry for this variant (Variation ID: 1683278). This variant has not been reported in the literature in individuals affected with ACTN2-related conditions.

Ambry Genetics
Classification: Uncertain significance for Cardiovascular phenotype. Last evaluated: 2023-02-21. Review status: criteria provided, single submitter. Criteria: Ambry Variant Classification Scheme 2023. Collection method: clinical testing. Allele origin: germline.
Comment: The p.R745* variant (also known as c.2233A>T), located in coding exon 18 of the ACTN2 gene, results from an A to T substitution at nucleotide position 2233. This changes the amino acid from an arginine to a stop codon within coding exon 18. This alteration is expected to result in protein truncation or nonsense-mediated mRNA decay. However, loss of function of ACTN2 has not been established as a mechanism of disease. Since supporting evidence is limited at this time, the clinical significance of this alteration remains unclear.

Women's Health and Genetics/Laboratory Corporation of America, LabCorp
Classification: Uncertain significance. Last evaluated: 2022-04-18. Review status: criteria provided, single submitter. Criteria: LabCorp Variant Classification Summary - May 2015. Collection method: clinical testing. Allele origin: germline.
Comment: Variant summary: ACTN2 c.2233A>T (p.Arg745X) results in a premature termination codon, predicted to cause a truncation of the encoded protein or absence of the protein due to nonsense mediated decay. The predominant ACTN2 mutational spectrum involves missense variants in individuals with Cardiomyopathy. Therefore, the impact of loss of function variants in ACTN2 on disease is not well established. The variant was absent in 251486 control chromosomes (gnomAD). The available data on variant occurrences in the general population are insufficient to allow any conclusion about variant significance. To our knowledge, no occurrence of c.2233A>T in individuals affected with Cardiomyopathy and no experimental evidence demonstrating its impact on protein function have been reported. No clinical diagnostic laboratories have submitted clinical-significance assessments for this variant to ClinVar after 2014. Based on the evidence outlined above, the variant was classified as uncertain significance.

NM_001103.4(ACTN2):c.2233A>T (p.Arg745Ter)

Gene: ACTN2 (actinin alpha 2; plus strand). Cytogenetic location: 1q43.
Variant type: single nucleotide variant.
Coding change: c.2233A>T on transcript NM_001103.4 (MANE Select); coding-DNA position 2233, A replaced by T.
Protein change: p.Arg745Ter; replaces arginine 745 with a stop codon.
Molecular consequence: nonsense.
Genome position (GRCh38, 1-based): chr1:236,757,564, A>T. VCF-style: chr1-236757564-A-T. GRCh37 (hg19) VCF-style: chr1-236920864-A-T.
Other names: c.2233A>T, p.Arg745Ter (NM_001278343.2); c.1609A>T, p.Arg537Ter (NM_001278344.2); c.2233A>T (NM_001103.2); short protein forms R537*, R745*.
Identifiers: ClinVar variation 1683278 (VCV001683278.6), dbSNP rs2102947099, ClinGen allele CA345388942.
Genomic context (GRCh38, chr1:236,757,564, plus strand): 5'-GAGCTGCTGCTGACAACCATCGCCAGAACCATCAATGAGGTGGAGACTCAGATCCTGACG[A>T]GAGATGCGAAGGGCATCACCCAGGAGCAGATGAATGAGTTCAGAGCCTCCTTCAACCACT-3'